The following is an entry in ClinVar:

Conditions:
Long QT syndrome 5 (LQT5). Identifiers: Orphanet 101016, Orphanet 768, MedGen C1867904, MONDO:0013372, OMIM 613695.

Submission:

Roden Lab, Vanderbilt University Medical Center
No classification provided (evidence only). Condition: Long QT syndrome 5. Review status: no classification provided. Collection method: in vitro. Allele origin: not applicable. Functional consequence: Effect on ion channel function.
ClinVar note: "not provided" was previously submitted as the classification for the variant. However, the classification appeared to be based only on an observation of functional data so it was converted to no classification on 2025-07-30.

NM_000219.6(KCNE1):c.192C>A (p.Ser64Arg)

Gene: KCNE1 (potassium voltage-gated channel subfamily E regulatory subunit 1; minus strand). Cytogenetic location: 21q22.12.
Variant type: single nucleotide variant.
Coding change: c.192C>A on transcript NM_000219.6 (MANE Select); coding-DNA position 192, C replaced by A.
Protein change: p.Ser64Arg; replaces serine 64 with arginine.
Molecular consequence: missense variant.
Genome position (GRCh38, 1-based): chr21:34,449,443, G>T on the plus strand (C>A on the coding strand, the complement: KCNE1 is on the minus strand). VCF-style: chr21-34449443-G-T. GRCh37 (hg19) VCF-style: chr21-35821741-G-T.
Other names: c.192C>A, p.Ser64Arg (NM_001127668.4, NM_001127669.4, NM_001127670.4 and 4 more transcripts); short protein forms S64R.
Identifiers: ClinVar variation 3374291 (VCV003374291.2).